The following is an entry in ClinVar:

NM_023110.3(FGFR1):c.92-10358G>A

Gene: FGFR1 (fibroblast growth factor receptor 1; minus strand). Cytogenetic location: 8p11.23.
Variant type: single nucleotide variant.
Coding change: c.92-10358G>A on transcript NM_023110.3 (MANE Select); 10358 bases into the intron before coding-DNA position 92, G replaced by A.
Molecular consequence: intron variant. On other transcripts: missense variant (1).
Genome position (GRCh38, 1-based): chr8:38,440,306, C>T on the plus strand (G>A on the coding strand, the complement: FGFR1 is on the minus strand). VCF-style: chr8-38440306-C-T. GRCh37 (hg19) VCF-style: chr8-38297824-C-T.
Other names: c.92-10358G>A (NM_001410922.1, NM_001174065.2, NM_001354367.2 and 3 more transcripts); c.191-10358G>A (NM_001174067.2); c.67G>A, p.Ala23Thr (NM_001174064.2); c.92-11871G>A (NM_001354368.2, NM_001354370.2, NM_023106.3 and 2 more transcripts); short protein forms A23T.
Identifiers: ClinVar variation 4881451 (VCV004881451.2).
Genomic context (GRCh38, chr8:38,440,306, plus strand): 5'-GCCCTCTGCAGAGGTTTTTTTATTACGTATTTTGGCTTTGAAATGGAACTGAAAACTTAC[C>T]TTCGGCTGGCAGGACCCGGCCAGAGTGCAGAAGCATCTCACCGAAATCCCGGGTCACAGC-3'

ClinVar aggregate classification (germline): Uncertain significance (1 of 4 stars; one submission).

gnomAD v4.1: 1 of 1,604,166 alleles (0.000062%); highest among the groups gnomAD compares: Non-Finnish European, 0.000085%; no homozygotes.

Submission:

Dasa
Classification: Uncertain significance. Last evaluated: 2025-04-28. Review status: criteria provided, single submitter. Criteria: DASA Assertion Criteria. Collection method: clinical testing. Allele origin: germline.
Comment: NM_001174064.2(FGFR1):c.67G>A (p.Ala23Thr) is a missense variant that results in the substitution of alanine with threonine. This variant is rare in population databases. Computational prediction algorithms are consistent with a benign effect. The currently available literature and clinical evidence are not sufficient to establish a definitive association between this variant and the reported condition. Therefore, this variant is classified as a variant of uncertain significance.